The following is an entry in ClinVar:

NM_004817.4(TJP2):c.908C>T (p.Pro303Leu)

Gene: TJP2 (tight junction protein 2; plus strand). Cytogenetic location: 9q21.11.
Variant type: single nucleotide variant.
Coding change: c.908C>T on transcript NM_004817.4 (MANE Select); coding-DNA position 908, C replaced by T.
Protein change: p.Pro303Leu; replaces proline 303 with leucine.
Molecular consequence: missense variant.
Genome position (GRCh38, 1-based): chr9:69,221,452, C>T. VCF-style: chr9-69221452-C-T. GRCh37 (hg19) VCF-style: chr9-71836368-C-T.
Other names: c.908C>T, p.Pro303Leu (LRG_1201t1, NM_001369872.1, NM_001369873.1 and 1 more transcripts); c.839C>T, p.Pro280Leu (NM_001170414.2, NM_001369870.1, NM_001369871.1); c.920C>T, p.Pro307Leu (NM_001170415.1, NM_001369874.1, NM_001369875.1); c.1001C>T, p.Pro334Leu (NM_001170416.2); short protein forms P303L, P334L, P280L, P307L.
Identifiers: ClinVar variation 288101 (VCV000288101.21), dbSNP rs199641113, ClinGen allele CA5073126.
Genomic context (GRCh38, chr9:69,221,452, plus strand): 5'-GAAGCCGCAGCCGCGAGCACCCGCACTCACGGAGCCCCAGCCCCGAGCCTAGGGGGCGGC[C>T]GGGGCCCATCGGGGTCCTCCTGATGAAAAGCAGAGCGAACGAAGGTAGGCATGCTTGATG-3'
Protein context (NP_004808.2, residues 293-313): RSPSPEPRGR[Pro303Leu]GPIGVLLMKS

ClinVar aggregate classification (germline): Conflicting classifications of pathogenicity. Review status: criteria provided, conflicting classifications (1 of 4 stars). 5 submissions from 5 submitters: Uncertain significance (3); Likely benign (1). 1 of the submissions does not count toward it. Last evaluated 2026-02-01.

Conditions:
Inborn genetic diseases. Identifiers: MedGen C0950123, MeSH D030342.
TJP2-related disorder. Also called: TJP2-related condition.

Allele frequency attached by ClinVar (database versions not stated): gnomAD 0.00052 and 0.00048; TOPMed 0.00057; gnomAD exomes 0.00004 and 0.00015; 1000 Genomes Project 0.00040; ExAC 0.00040; ESP Exome Variant Server 0.00041; 1000 Genomes Project 30x 0.00047.
gnomAD v4.1: 158 of 1,595,658 alleles (0.0099%); highest among the groups gnomAD compares: African/African-American, 0.17%; no homozygotes.

Submissions (5):

Labcorp Genetics (formerly Invitae), Labcorp
Classification: Likely benign. Last evaluated: 2026-02-01. Review status: criteria provided, single submitter. Criteria: Invitae Variant Classification Sherloc (09022015). Collection method: clinical testing. Allele origin: germline.

Ambry Genetics
Classification: Uncertain significance for Inborn genetic diseases. Last evaluated: 2024-04-12. Review status: criteria provided, single submitter. Criteria: Ambry Variant Classification Scheme 2023. Collection method: clinical testing. Allele origin: germline.

GeneDx
Classification: Uncertain significance. Last evaluated: 2021-09-15. Review status: criteria provided, single submitter. Criteria: GeneDx Variant Classification Process June 2021. Collection method: clinical testing. Allele origin: germline. Affected: yes.
Comment: In silico analysis, which includes protein predictors and evolutionary conservation, supports that this variant does not alter protein structure/function; Has not been previously published as pathogenic or benign to our knowledge

Eurofins Ntd Llc (ga)
Classification: Uncertain significance. Last evaluated: 2017-07-10. Review status: criteria provided, single submitter. Criteria: EGL Classification Definitions 2015. Collection method: clinical testing. Allele origin: germline. Observed: 6 variant alleles, 6 heterozygotes.

PreventionGenetics, part of Exact Sciences
Classification: Likely benign for TJP2-related condition. Last evaluated: 2023-04-17. Review status: no assertion criteria provided. Collection method: clinical testing. Allele origin: germline. Not counted in ClinVar's aggregate classification.
Comment: This variant is classified as likely benign based on ACMG/AMP sequence variant interpretation guidelines (Richards et al. 2015 PMID: 25741868, with internal and published modifications).